The following is an entry in ClinVar:

ClinVar aggregate classification (germline): Uncertain significance. Review status: criteria provided, multiple submitters, no conflicts (2 of 4 stars). 3 submissions from 3 submitters: Uncertain significance (3). Last evaluated 2023-11-07.

Allele frequency attached by ClinVar (database versions not stated): TOPMed 0.00003; gnomAD exomes 0.00004 and 0.00009; ExAC 0.00005; gnomAD 0.00005; 1000 Genomes Project 0.00020; 1000 Genomes Project 30x 0.00031.
gnomAD v4.1: 139 of 1,614,208 alleles (0.0086%); highest among the groups gnomAD compares: Non-Finnish European, 0.011%; no homozygotes.

Submissions (3):

Mayo Clinic Laboratories, Mayo Clinic
Classification: Uncertain significance. Last evaluated: 2023-11-07. Review status: criteria provided, single submitter. Criteria: ACMG Guidelines, 2015. Collection method: clinical testing. Allele origin: germline. Observed: 1 variant allele.
Comment: BP4, PM2_moderate

Labcorp Genetics (formerly Invitae), Labcorp
Classification: Uncertain significance. Last evaluated: 2022-05-19. Review status: criteria provided, single submitter. Criteria: Invitae Variant Classification Sherloc (09022015). Collection method: clinical testing. Allele origin: germline.
Comment: This sequence change replaces serine, which is neutral and polar, with asparagine, which is neutral and polar, at codon 255 of the SLC25A3 protein (p.Ser255Asn). This variant is present in population databases (rs117836188, gnomAD 0.008%). This variant has not been reported in the literature in individuals affected with SLC25A3-related conditions. ClinVar contains an entry for this variant (Variation ID: 618877). Algorithms developed to predict the effect of missense changes on protein structure and function (SIFT, PolyPhen-2, Align-GVGD) all suggest that this variant is likely to be tolerated. In summary, the available evidence is currently insufficient to determine the role of this variant in disease. Therefore, it has been classified as a Variant of Uncertain Significance.

ARUP Laboratories, Molecular Genetics and Genomics, ARUP Laboratories
Classification: Uncertain significance. Last evaluated: 2017-09-29. Review status: criteria provided, single submitter. Criteria: ARUP Molecular Germline Variant Investigation Process. Collection method: clinical testing. Allele origin: germline.
Comment: The p.Ser255Asn variant (rs117836188) has not been reported in the medical literature, is not listed in gene-specific variant databases, nor has it been previously identified in our laboratory. The p.Ser255Asn variant is listed in the Genome Aggregation Database (gnomAD) browser with an allele frequency of 0.008% in the non-Finnish European population (identified in 9 out of 111,716 chromosomes). The serine at codon 255 is moderately conserved considering 14 species (Alamut software v2.10.0), and computational analyses predict conflicting effects of this variant on protein structure/function (SIFT: tolerated, PolyPhen2: benign, MutationTaster: disease causing). Based on the available information, the clinical significance of the p.Ser255Asn variant cannot be determined with certainty.

NM_002635.4(SLC25A3):c.761G>A (p.Ser254Asn)

Gene: SLC25A3 (solute carrier family 25 member 3; plus strand). Cytogenetic location: 12q23.1.
Variant type: single nucleotide variant.
Coding change: c.761G>A on transcript NM_002635.4 (MANE Select); coding-DNA position 761, G replaced by A.
Protein change: p.Ser254Asn; replaces serine 254 with asparagine.
Molecular consequence: missense variant.
Genome position (GRCh38, 1-based): chr12:98,600,074, G>A. VCF-style: chr12-98600074-G-A. GRCh37 (hg19) VCF-style: chr12-98993852-G-A.
Other names: c.764G>A, p.Ser255Asn (NM_005888.4); c.761G>A, p.Ser254Asn (NM_213611.3); short protein forms S254N, S255N.
Identifiers: ClinVar variation 618877 (VCV000618877.11), dbSNP rs117836188, ClinGen allele CA6733110.